The following is an entry in ClinVar:

NM_015512.5(DNAH1):c.10594C>T (p.Arg3532Cys)

Gene: DNAH1 (dynein axonemal heavy chain 1; plus strand). Cytogenetic location: 3p21.1.
Variant type: single nucleotide variant.
Coding change: c.10594C>T on transcript NM_015512.5 (MANE Select); coding-DNA position 10594, C replaced by T.
Protein change: p.Arg3532Cys; replaces arginine 3532 with cysteine.
Molecular consequence: missense variant.
Genome position (GRCh38, 1-based): chr3:52,393,453, C>T. VCF-style: chr3-52393453-C-T. GRCh37 (hg19) VCF-style: chr3-52427469-C-T.
Other names: short protein forms R3532C.
Identifiers: ClinVar variation 1404061 (VCV001404061.5), dbSNP rs759716748, ClinGen allele CA2435886.
Genomic context (GRCh38, chr3:52,393,453, plus strand): 5'-AACGTCTGCCGCAGCCTCTTTGAGAAGCACAAGCTGATGTTTGCCTTCCTGCTGTGTGTT[C>T]GCATCATGATGAACGAGGGCAAAATCAACCAGGTGCTGGCAGAGACACCCAGGACAGACT-3'
Protein context (NP_056327.4, residues 3522-3542): KLMFAFLLCV[Arg3532Cys]IMMNEGKINQ

ClinVar aggregate classification (germline): Uncertain significance (1 of 4 stars; one submission).

Conditions:
Spermatogenic failure 18. Identifiers: MedGen C4539783, MONDO:0054615, OMIM 617576.
Ciliary dyskinesia, primary, 37 (CILD37). Also called: CILIARY DYSKINESIA, PRIMARY, 37, WITH OR WITHOUT SITUS INVERSUS. Identifiers: MedGen C4539798, MONDO:0033204, OMIM 617577.

Allele frequency attached by ClinVar (database versions not stated): ExAC 0.00001; gnomAD exomes 0.00002 and 0.00012; TOPMed 0.00037; gnomAD 0.00043 and 0.00044.
gnomAD v4.1: 107 of 1,613,880 alleles (0.0066%); highest among the groups gnomAD compares: Admixed American, 0.15%; no homozygotes.

Submission:

Labcorp Genetics (formerly Invitae), Labcorp
Classification: Uncertain significance for Ciliary dyskinesia, primary, 37; Spermatogenic failure 18. Last evaluated: 2022-08-15. Review status: criteria provided, single submitter. Criteria: Invitae Variant Classification Sherloc (09022015). Collection method: clinical testing. Allele origin: germline.
Comment: This sequence change replaces arginine, which is basic and polar, with cysteine, which is neutral and slightly polar, at codon 3532 of the DNAH1 protein (p.Arg3532Cys). This variant is present in population databases (rs759716748, gnomAD 0.08%). This variant has not been reported in the literature in individuals affected with DNAH1-related conditions. ClinVar contains an entry for this variant (Variation ID: 1404061). Algorithms developed to predict the effect of missense changes on protein structure and function are either unavailable or do not agree on the potential impact of this missense change (SIFT: "Deleterious"; PolyPhen-2: "Probably Damaging"; Align-GVGD: "Class C0"). In summary, the available evidence is currently insufficient to determine the role of this variant in disease. Therefore, it has been classified as a Variant of Uncertain Significance.